The following is an entry in ClinVar:

NM_032119.4(ADGRV1):c.10003C>A (p.Pro3335Thr)

Gene: ADGRV1 (adhesion G protein-coupled receptor V1; plus strand). Cytogenetic location: 5q14.3.
Variant type: single nucleotide variant.
Coding change: c.10003C>A on transcript NM_032119.4 (MANE Select); coding-DNA position 10003, C replaced by A.
Protein change: p.Pro3335Thr; replaces proline 3335 with threonine.
Molecular consequence: missense variant. On other transcripts: non-coding transcript variant (1).
Genome position (GRCh38, 1-based): chr5:90,725,182, C>A. VCF-style: chr5-90725182-C-A. GRCh37 (hg19) VCF-style: chr5-90020999-C-A.
Other names: short protein forms P3335T.
Identifiers: ClinVar variation 4873999 (VCV004873999.2).

ClinVar aggregate classification (germline): Uncertain significance (1 of 4 stars; one submission).

Submission:

CeGaT Center for Human Genetics Tuebingen
Classification: Uncertain significance. Last evaluated: 2026-06-01. Review status: criteria provided, single submitter. Criteria: CeGaT Center For Human Genetics Tuebingen Variant Classification Criteria Version 2. Collection method: clinical testing. Allele origin: germline. Affected: yes. Observed: 1 variant allele.
Comment: ADGRV1: PM2, PM3, BP4